The following is an entry in ClinVar:

NM_015338.6(ASXL1):c.4150A>G (p.Asn1384Asp)

Gene: ASXL1 (ASXL transcriptional regulator 1; plus strand). Cytogenetic location: 20q11.21.
Variant type: single nucleotide variant.
Coding change: c.4150A>G on transcript NM_015338.6 (MANE Select); coding-DNA position 4150, A replaced by G.
Protein change: p.Asn1384Asp; replaces asparagine 1384 with aspartic acid.
Molecular consequence: missense variant.
Genome position (GRCh38, 1-based): chr20:32,436,862, A>G. VCF-style: chr20-32436862-A-G. GRCh37 (hg19) VCF-style: chr20-31024665-A-G.
Other names: c.3967A>G, p.Asn1323Asp (NM_001363734.1); short protein forms N1323D, N1384D.
Identifiers: ClinVar variation 2439272 (VCV002439272.4), dbSNP rs768021025, ClinGen allele CA9808976.

ClinVar aggregate classification (germline): Uncertain significance. Review status: criteria provided, multiple submitters, no conflicts (2 of 4 stars). 2 submissions from 2 submitters: Uncertain significance (2). Last evaluated 2025-01-13.

Conditions:
Bohring-Opitz syndrome. Also called: C-LIKE SYNDROME; BOHRING SYNDROME; OPITZ TRIGONOCEPHALY-LIKE SYNDROME; ASXL1-Related Bohring-Opitz Syndrome. Identifiers: Orphanet 97297, MedGen C0796232, MONDO:0011510, OMIM 605039.
Inborn genetic diseases. Identifiers: MedGen C0950123, MeSH D030342.

Allele frequency attached by ClinVar (database versions not stated): gnomAD exomes 0.00001; ExAC 0.00001.
gnomAD v4.1: 6 of 1,614,174 alleles (0.00037%); highest among the groups gnomAD compares: Non-Finnish European, 0.00051%; no homozygotes.

Submissions (2):

Ambry Genetics
Classification: Uncertain significance for Inborn genetic diseases. Last evaluated: 2025-01-13. Review status: criteria provided, single submitter. Criteria: Ambry Variant Classification Scheme 2023. Collection method: clinical testing. Allele origin: germline.
Comment: The p.N1384D variant (also known as c.4150A>G), located in coding exon 13 of the ASXL1 gene, results from an A to G substitution at nucleotide position 4150. The asparagine at codon 1384 is replaced by aspartic acid, an amino acid with highly similar properties. This amino acid position is conserved. In addition, this alteration is predicted to be tolerated by in silico analysis. Based on the available evidence, the clinical significance of this variant remains unclear.

Revvity Omics, Revvity
Classification: Uncertain significance for Bohring-Opitz syndrome. Last evaluated: 2020-05-13. Review status: criteria provided, single submitter. Criteria: ACMG Guidelines, 2015. Collection method: clinical testing. Allele origin: germline.